The following is an entry in ClinVar:

ClinVar aggregate classification (germline): Likely pathogenic (1 of 4 stars; one submission).

Conditions:
Multiple sulfatase deficiency (MSD). Also called: Mucosulfatidosis; Multiple Sulfatase Deficiency Disease; Sulfatidosis, Juvenile, Austin Type. Identifiers: Orphanet 585, MedGen C0268263, MONDO:0010088, OMIM 272200.

Submission:

Natera, Inc.
Classification: Likely pathogenic for Multiple sulfatase deficiency. Last evaluated: 2025-08-29. Review status: criteria provided, single submitter. Criteria: Natera Variant Classification Schema (03/2026). Collection method: clinical testing. Allele origin: germline.
Comment: The c.751C>T variant in SUMF1 is a nonsense variant predicted to introduce a stop codon at amino acid 251. This variant is expected to result in nonsense mediated decay, truncation, or a dysfunctional protein product. This variant is rare in the general population with a frequency below the threshold expected for the associated phenotype(s). Given the available evidence, this variant is classified as Likely Pathogenic.

NM_182760.4(SUMF1):c.751C>T (p.Gln251Ter)

Gene: SUMF1 (sulfatase modifying factor 1; minus strand). Cytogenetic location: 3p26.1.
Variant type: single nucleotide variant.
Coding change: c.751C>T on transcript NM_182760.4 (MANE Select); coding-DNA position 751, C replaced by T.
Protein change: p.Gln251Ter; replaces glutamine 251 with a stop codon.
Molecular consequence: nonsense.
Genome position (GRCh38, 1-based): chr3:4,417,217, G>A on the plus strand (C>T on the coding strand, the complement: SUMF1 is on the minus strand). VCF-style: chr3-4417217-G-A. GRCh37 (hg19) VCF-style: chr3-4458901-G-A.
Other names: c.676C>T, p.Gln226Ter (NM_001164674.2); c.751C>T, p.Gln251Ter (NM_001164675.2); short protein forms Q226*, Q251*.
Identifiers: ClinVar variation 4817003 (VCV004817003.2).
Genomic context (GRCh38, chr3:4,417,217, plus strand): 5'-CAGTGTTGGTCACCGGAAACTCGCCCTGCCAAATGTTGGCATAATGCTGGCCTTTGGGCT[G>A]CAGTTTGTTGCCCCAGGGGAAAAGTCTGTCAGAAGAGACACAGGCATCAGCCTGTCAAAC-3'